The following is an entry in ClinVar:

ClinVar aggregate classification (germline): Uncertain significance (1 of 4 stars; one submission).

Conditions:
Hereditary cancer-predisposing syndrome. Also called: Tumor predisposition; Neoplastic Syndromes, Hereditary; Hereditary Cancer Syndrome; Hereditary neoplastic syndrome. Identifiers: Orphanet 140162, MedGen C0027672, MeSH D009386, MONDO:0015356.

Submission:

Ambry Genetics
Classification: Uncertain significance for Hereditary cancer-predisposing syndrome. Last evaluated: 2020-11-17. Review status: criteria provided, single submitter. Criteria: Ambry Variant Classification Scheme 2023. Collection method: clinical testing. Allele origin: germline.
Comment: The p.I2356M variant (also known as c.7068C>G), located in coding exon 47 of the ATM gene, results from a C to G substitution at nucleotide position 7068. The isoleucine at codon 2356 is replaced by methionine, an amino acid with highly similar properties. This amino acid position is highly conserved in available vertebrate species. In addition, this alteration is predicted to be deleterious by in silico analysis. Since supporting evidence is limited at this time, the clinical significance of this alteration remains unclear.

NM_000051.4(ATM):c.7068C>G (p.Ile2356Met)

Genes: ATM (ATM serine/threonine kinase; plus strand), C11orf65 (chromosome 11 open reading frame 65; minus strand). Cytogenetic location: 11q22.3.
Variant type: single nucleotide variant.
Coding change: c.7068C>G on transcript NM_000051.4 (MANE Select); coding-DNA position 7068, C replaced by G.
Protein change: p.Ile2356Met; replaces isoleucine 2356 with methionine.
Molecular consequence: missense variant. On other transcripts: intron variant (2).
Genome position (GRCh38, 1-based): chr11:108,327,737, C>G. VCF-style: chr11-108327737-C-G. GRCh37 (hg19) VCF-style: chr11-108198464-C-G.
Other names: c.7068C>G, p.Ile2356Met (NM_001351834.2); c.641-18666G>C (NM_001330368.2); c.*38+7483G>C (NM_001351110.2); short protein forms I2356M.
Identifiers: ClinVar variation 826810 (VCV000826810.6), dbSNP rs1591142832, ClinGen allele CA382559075.